The following is an entry in ClinVar:

NM_020964.3(EPG5):c.6889G>C (p.Gly2297Arg)

Gene: EPG5 (ectopic P-granules 5 autophagy tethering factor; minus strand). Cytogenetic location: 18q12.3.
Variant type: single nucleotide variant.
Coding change: c.6889G>C on transcript NM_020964.3 (MANE Select); coding-DNA position 6889, G replaced by C.
Protein change: p.Gly2297Arg; replaces glycine 2297 with arginine.
Molecular consequence: missense variant.
Genome position (GRCh38, 1-based): chr18:45,860,224, C>G on the plus strand (G>C on the coding strand, the complement: EPG5 is on the minus strand). VCF-style: chr18-45860224-C-G. GRCh37 (hg19) VCF-style: chr18-43440189-C-G.
Other names: c.6889G>C, p.Gly2297Arg (LRG_1234t1); short protein forms G2297R.
Identifiers: ClinVar variation 657981 (VCV000657981.7), dbSNP rs1599429977, ClinGen allele CA402337435.

ClinVar aggregate classification (germline): Uncertain significance (1 of 4 stars; one submission).

Conditions:
Vici syndrome (VICIS). Identifiers: Orphanet 1493, MedGen C1855772, MONDO:0009452, OMIM 242840.

Submission:

Labcorp Genetics (formerly Invitae), Labcorp
Classification: Uncertain significance for Vici syndrome. Last evaluated: 2021-08-27. Review status: criteria provided, single submitter. Criteria: Invitae Variant Classification Sherloc (09022015). Collection method: clinical testing. Allele origin: germline.
Comment: This sequence change replaces glycine with arginine at codon 2297 of the EPG5 protein (p.Gly2297Arg). The glycine residue is moderately conserved and there is a moderate physicochemical difference between glycine and arginine. This variant is not present in population databases (ExAC no frequency). This variant has not been reported in the literature in individuals affected with EPG5-related conditions. Algorithms developed to predict the effect of missense changes on protein structure and function (SIFT, PolyPhen-2, Align-GVGD) all suggest that this variant is likely to be tolerated. In summary, the available evidence is currently insufficient to determine the role of this variant in disease. Therefore, it has been classified as a Variant of Uncertain Significance.